The following is an entry in ClinVar:

NM_001267550.2(TTN):c.78108G>A (p.Leu26036=)

Genes: TTN (titin; minus strand), TTN-AS1 (TTN antisense RNA 1; plus strand). Cytogenetic location: 2q31.2.
Variant type: single nucleotide variant.
Coding change: c.78108G>A on transcript NM_001267550.2 (MANE Select); coding-DNA position 78108, G replaced by A.
Protein change: p.Leu26036=; no amino-acid change (leucine 26036 retained).
Molecular consequence: synonymous variant.
Genome position (GRCh38, 1-based): chr2:178,568,024, C>T on the plus strand (G>A on the coding strand, the complement: TTN is on the minus strand). VCF-style: chr2-178568024-C-T. GRCh37 (hg19) VCF-style: chr2-179432751-C-T.
Other names: c.73185G>A, p.Leu24395= (NM_001256850.1); c.50913G>A, p.Leu16971= (NM_003319.4); c.70404G>A, p.Leu23468= (NM_133378.4); c.51288G>A, p.Leu17096= (NM_133432.3); c.51489G>A, p.Leu17163= (NM_133437.4).
Identifiers: ClinVar variation 1118989 (VCV001118989.12), dbSNP rs904868866, ClinGen allele CA60991664.

ClinVar aggregate classification (germline): Likely benign. Review status: criteria provided, multiple submitters, no conflicts (2 of 4 stars). 3 submissions from 3 submitters: Likely benign (2). 1 of the submissions does not count toward it. Last evaluated 2025-09-21.

Conditions:
Autosomal recessive limb-girdle muscular dystrophy type 2J (LGMDR10). Also called: MUSCULAR DYSTROPHY, LIMB-GIRDLE, AUTOSOMAL RECESSIVE 10; Limb-girdle muscular dystrophy, type 2J. Identifiers: Orphanet 140922, MedGen C1837342, MONDO:0012127, OMIM 608807.
Dilated cardiomyopathy 1G (CMD1G). Identifiers: Orphanet 154, MedGen C1858763, MONDO:0011400, OMIM 604145.
TTN-related disorder. Also called: TTN-related condition; TTN-related disease; TTN-related disorders.
Cardiovascular phenotype. Identifiers: MedGen CN230736.

gnomAD v4.1: 1 of 1,613,372 alleles (0.000062%); no homozygotes.

Submissions (3):

Ambry Genetics
Classification: Likely benign for Cardiovascular phenotype. Last evaluated: 2025-09-21. Review status: criteria provided, single submitter. Criteria: Ambry Variant Classification Scheme 2023. Collection method: clinical testing. Allele origin: germline.

Labcorp Genetics (formerly Invitae), Labcorp
Classification: Likely benign for Dilated cardiomyopathy 1G; Autosomal recessive limb-girdle muscular dystrophy type 2J. Last evaluated: 2024-12-04. Review status: criteria provided, single submitter. Criteria: Invitae Variant Classification Sherloc (09022015). Collection method: clinical testing. Allele origin: germline.

PreventionGenetics, part of Exact Sciences
Classification: Likely benign for TTN-related condition. Last evaluated: 2019-02-20. Review status: no assertion criteria provided. Collection method: clinical testing. Allele origin: germline. Not counted in ClinVar's aggregate classification.
Comment: This variant is classified as likely benign based on ACMG/AMP sequence variant interpretation guidelines (Richards et al. 2015 PMID: 25741868, with internal and published modifications).